The following is an entry in ClinVar:

NM_021930.6(RINT1):c.330A>G (p.Ala110=)

Gene: RINT1 (RAD50 interactor 1; plus strand). Cytogenetic location: 7q22.3.
Variant type: single nucleotide variant.
Coding change: c.330A>G on transcript NM_021930.6 (MANE Select); coding-DNA position 330, A replaced by G.
Protein change: p.Ala110=; no amino-acid change (alanine 110 retained).
Molecular consequence: synonymous variant. On other transcripts: 5 prime UTR variant (3), non-coding transcript variant (1).
Genome position (GRCh38, 1-based): chr7:105,542,464, A>G. VCF-style: chr7-105542464-A-G. GRCh37 (hg19) VCF-style: chr7-105182911-A-G.
Other names: c.96A>G, p.Ala32= (NM_001346599.2); c.-690A>G (NM_001346600.2); c.-593A>G (NM_001346601.2); c.-213A>G (NM_001346603.2).
Identifiers: ClinVar variation 224926 (VCV000224926.38), dbSNP rs374658950, ClinGen allele CA357841.
Genomic context (GRCh38, chr7:105,542,464, plus strand): 5'-TCAGGTACTTACAATTTCATCAGAAATTCCTAAAAGAATTCGAAGTGCCTTAAAAAATGC[A>G]GAAGAATCAAAGCAATTTCTTAATCAGTTTCTGGAGCAGGAAACTCATCTCTTCAGCGCC-3'
Protein context (NP_068749.3, residues 100-120): PKRIRSALKN[Ala110=]EESKQFLNQF

ClinVar aggregate classification (germline): Likely benign. Review status: criteria provided, multiple submitters, no conflicts (2 of 4 stars). 3 submissions from 3 submitters: Likely benign (3). Last evaluated 2025-02-10.

Allele frequency attached by ClinVar (database versions not stated): gnomAD exomes 0.00003 and 0.00008; ExAC 0.00004; TOPMed 0.00005; gnomAD 0.00006; ESP Exome Variant Server 0.00008.
gnomAD v4.1: 129 of 1,613,460 alleles (0.008%); highest among the groups gnomAD compares: Non-Finnish European, 0.01%; no homozygotes.

Submissions (3):

Labcorp Genetics (formerly Invitae), Labcorp
Classification: Likely benign. Last evaluated: 2025-02-10. Review status: criteria provided, single submitter. Criteria: Invitae Variant Classification Sherloc (09022015). Collection method: clinical testing. Allele origin: germline.

CeGaT Center for Human Genetics Tuebingen
Classification: Likely benign. Last evaluated: 2023-07-01. Review status: criteria provided, single submitter. Criteria: CeGaT Center For Human Genetics Tuebingen Variant Classification Criteria Version 2. Collection method: clinical testing. Allele origin: germline. Affected: yes. Observed: 1 variant allele.
Comment: RINT1: BP4, BP7

Ambry Genetics
Classification: Likely benign. Last evaluated: 2021-04-19. Review status: criteria provided, single submitter. Criteria: Ambry Variant Classification Scheme 2023. Collection method: clinical testing. Allele origin: germline.